The following is an entry in ClinVar:

ClinVar aggregate classification (germline): Benign (1 of 4 stars; one submission).

Conditions:
Smith-McCort dysplasia 2 (SMC2). Identifiers: MedGen C3714896, MONDO:0014087, OMIM 615222.

Allele frequency attached by ClinVar (database versions not stated): gnomAD exomes 0.00225; ExAC 0.00290; 1000 Genomes Project 0.00659; 1000 Genomes Project 30x 0.00687; gnomAD 0.00842 and 0.00916; TOPMed 0.00963; ESP Exome Variant Server 0.00992.
gnomAD v4.1: 2,495 of 1,583,634 alleles (0.16%); highest among the groups gnomAD compares: African/African-American, 3%; 30 homozygotes.

Submission:

Illumina Laboratory Services, Illumina
Classification: Benign for Smith-McCort dysplasia 2. Last evaluated: 2018-01-12. Review status: criteria provided, single submitter. Criteria: ICSL Variant Classification Criteria 13 December 2019. Collection method: clinical testing. Allele origin: germline.
Comment: This variant was observed in the ICSL laboratory as part of a predisposition screen in an ostensibly healthy population. It had not been previously curated by ICSL or reported in the Human Gene Mutation Database (HGMD: prior to June 1st, 2018), and was therefore a candidate for classification through an automated scoring system. Utilizing variant allele frequency, disease prevalence and penetrance estimates, and inheritance mode, an automated score was calculated to assess if this variant is too frequent to cause the disease. Based on the score and internal cut-off values, a variant classified as benign is not then subjected to further curation. The score for this variant resulted in a classification of benign for this disease.

NM_031296.3(RAB33B):c.-36C>T

Gene: RAB33B (RAB33B, member RAS oncogene family; plus strand). Cytogenetic location: 4q31.1.
Variant type: single nucleotide variant.
Coding change: c.-36C>T on transcript NM_031296.3 (MANE Select); 36 bases upstream of the start codon, C replaced by T.
Molecular consequence: 5 prime UTR variant.
Genome position (GRCh38, 1-based): chr4:139,454,160, C>T. VCF-style: chr4-139454160-C-T. GRCh37 (hg19) VCF-style: chr4-140375314-C-T.
Identifiers: ClinVar variation 347560 (VCV000347560.5), dbSNP rs182647425, ClinGen allele CA3083911.